The following is an entry in ClinVar:

ClinVar aggregate classification (germline): Uncertain significance (1 of 4 stars; one submission).

Allele frequency attached by ClinVar (database versions not stated): gnomAD exomes below 0.00001; ExAC 0.00003; gnomAD 0.00004; TOPMed 0.00004.
gnomAD v4.1: 65 of 1,602,496 alleles (0.0041%); highest among the groups gnomAD compares: Middle Eastern, 0.017%; no homozygotes.

Submission:

GeneDx
Classification: Uncertain significance. Last evaluated: 2020-02-04. Review status: criteria provided, single submitter. Criteria: GeneDx Variant Classification Process June 2021. Collection method: clinical testing. Allele origin: germline. Affected: yes.
Comment: Identified in a patient with complex late-onset cerebellar ataxia in published literature; however, additional clinical information and segregation information were not provided (Coutelier et al., 2018); In silico analysis supports that this missense variant has a deleterious effect on protein structure/function; This variant is associated with the following publications: (PMID: 29482223)

NM_004977.3(KCNC3):c.1696C>T (p.Pro566Ser)

Gene: KCNC3 (potassium voltage-gated channel subfamily C member 3; minus strand). Cytogenetic location: 19q13.33.
Variant type: single nucleotide variant.
Coding change: c.1696C>T on transcript NM_004977.3 (MANE Select); coding-DNA position 1696, C replaced by T.
Protein change: p.Pro566Ser; replaces proline 566 with serine.
Molecular consequence: missense variant.
Genome position (GRCh38, 1-based): chr19:50,323,257, G>A on the plus strand (C>T on the coding strand, the complement: KCNC3 is on the minus strand). VCF-style: chr19-50323257-G-A. GRCh37 (hg19) VCF-style: chr19-50826514-G-A.
Other names: c.1468C>T, p.Pro490Ser (NM_001372305.1); short protein forms P490S, P566S.
Identifiers: ClinVar variation 1211248 (VCV001211248.3), dbSNP rs761652328, ClinGen allele CA9594190.